The following is an entry in ClinVar:

ClinVar aggregate classification (germline): Uncertain significance (1 of 4 stars; one submission).

Submission:

GeneDx
Classification: Uncertain significance. Last evaluated: 2025-07-09. Review status: criteria provided, single submitter. Criteria: GeneDx Variant Classification Process June 2021. Collection method: clinical testing. Allele origin: germline. Affected: yes.
Comment: Not observed at significant frequency in large population cohorts (gnomAD); In-frame deletion of 11 amino acid(s) in a non-repeat region; In silico analysis supports a deleterious effect on protein structure/function; Has not been previously published as pathogenic or benign to our knowledge

NM_031206.7(LAS1L):c.1749_1781del (p.Glu583_Glu593del)

Gene: LAS1L (LAS1 like ribosome biogenesis factor; minus strand). Cytogenetic location: Xq12.
Variant type: Deletion.
Coding change: c.1749_1781del on transcript NM_031206.7 (MANE Select); coding-DNA positions 1749 to 1781, 33 bases deleted.
Protein change: p.Glu583_Glu593del.
Molecular consequence: inframe deletion. On other transcripts: non-coding transcript variant (3).
Genome position (GRCh38, 1-based): chrX:65,518,133-65,518,165, 33 bases deleted; deleting any 33 consecutive bases within chrX:65,518,133-65,518,173 gives the same sequence; the c. name uses the placement nearest the transcript's 3' end. GRCh37 (hg19): chrX:64,738,021-64,738,053.
Other names: c.1698_1730del, p.Glu566_Glu576del (NM_001170649.2, NM_001375333.1); c.1572_1604del, p.Glu524_Glu534del (NM_001170650.2); c.1749_1781del, p.Glu583_Glu593del (NM_001375328.1); c.792_824del, p.Glu264_Glu274del (NM_001375332.1).
Identifiers: ClinVar variation 4685025 (VCV004685025.1).
Genomic context (GRCh38, chrX:65,518,132, plus strand): 5'-CCCTGTAGAGAAAGGCCCCACCTCCATTCTGTCTTCCTCTTCATCATCTTCATCATCTTC[ATCCTCCTCTTCCTCCTCTTGGTCATCATTTTCT>A]TCCTCCTCCTCTACCTGGTCTGGCAAGACCTCTTTCTCCTCCTTCTCCTCTTCCTTGACA-3'